The following is an entry in ClinVar:

ClinVar aggregate classification (germline): Uncertain significance (1 of 4 stars; one submission).

Submission:

Labcorp Genetics (formerly Invitae), Labcorp
Classification: Uncertain significance. Last evaluated: 2022-02-25. Review status: criteria provided, single submitter. Criteria: Invitae Variant Classification Sherloc (09022015). Collection method: clinical testing. Allele origin: germline.
Comment: In summary, the available evidence is currently insufficient to determine the role of this variant in disease. Therefore, it has been classified as a Variant of Uncertain Significance. Algorithms developed to predict the effect of missense changes on protein structure and function (SIFT, PolyPhen-2, Align-GVGD) all suggest that this variant is likely to be tolerated. This variant has not been reported in the literature in individuals affected with ASPM-related conditions. This variant is not present in population databases (gnomAD no frequency). This sequence change replaces proline, which is neutral and non-polar, with alanine, which is neutral and non-polar, at codon 470 of the ASPM protein (p.Pro470Ala).

NM_018136.5(ASPM):c.1408C>G (p.Pro470Ala)

Gene: ASPM (assembly factor for spindle microtubules; minus strand). Cytogenetic location: 1q31.3.
Variant type: single nucleotide variant.
Coding change: c.1408C>G on transcript NM_018136.5 (MANE Select); coding-DNA position 1408, C replaced by G.
Protein change: p.Pro470Ala; replaces proline 470 with alanine.
Molecular consequence: missense variant.
Genome position (GRCh38, 1-based): chr1:197,142,844, G>C on the plus strand (C>G on the coding strand, the complement: ASPM is on the minus strand). VCF-style: chr1-197142844-G-C. GRCh37 (hg19) VCF-style: chr1-197111974-G-C.
Other names: c.1408C>G, p.Pro470Ala (NM_001206846.2); short protein forms P470A.
Identifiers: ClinVar variation 2103373 (VCV002103373.2), dbSNP rs766014257, ClinGen allele CA344016405.